The following is an entry in ClinVar:

NM_005732.4(RAD50):c.95C>T (p.Thr32Ile)

Gene: RAD50 (RAD50 double strand break repair protein; plus strand). Cytogenetic location: 5q31.1.
Variant type: single nucleotide variant.
Coding change: c.95C>T on transcript NM_005732.4 (MANE Select); coding-DNA position 95, C replaced by T.
Protein change: p.Thr32Ile; replaces threonine 32 with isoleucine.
Molecular consequence: missense variant.
Genome position (GRCh38, 1-based): chr5:132,557,419, C>T. VCF-style: chr5-132557419-C-T. GRCh37 (hg19) VCF-style: chr5-131893111-C-T.
Other names: short protein forms T32I.
Identifiers: ClinVar variation 2125886 (VCV002125886.4), dbSNP rs1580974498, ClinGen allele CA360951627.

ClinVar aggregate classification (germline): Uncertain significance (1 of 4 stars; one submission).

Conditions:
Hereditary cancer-predisposing syndrome. Also called: Hereditary neoplastic syndrome; Tumor predisposition; Hereditary Cancer Syndrome; Neoplastic Syndromes, Hereditary. Identifiers: Orphanet 140162, MedGen C0027672, MeSH D009386, MONDO:0015356.

Submission:

Labcorp Genetics (formerly Invitae), Labcorp
Classification: Uncertain significance for Hereditary cancer-predisposing syndrome. Last evaluated: 2022-04-14. Review status: criteria provided, single submitter. Criteria: Invitae Variant Classification Sherloc (09022015). Collection method: clinical testing. Allele origin: germline.
Comment: In summary, the available evidence is currently insufficient to determine the role of this variant in disease. Therefore, it has been classified as a Variant of Uncertain Significance. Algorithms developed to predict the effect of missense changes on protein structure and function are either unavailable or do not agree on the potential impact of this missense change (SIFT: "Deleterious"; PolyPhen-2: "Probably Damaging"; Align-GVGD: "Class C0"). This variant has not been reported in the literature in individuals affected with RAD50-related conditions. This variant is not present in population databases (gnomAD no frequency). This sequence change replaces threonine, which is neutral and polar, with isoleucine, which is neutral and non-polar, at codon 32 of the RAD50 protein (p.Thr32Ile).